The following is an entry in ClinVar:

ClinVar aggregate classification (germline): Uncertain significance. Review status: criteria provided, single submitter (1 of 4 stars). 2 submissions from 2 submitters: Uncertain significance (1). 1 of the submissions does not count toward it. Last evaluated 2025-01-08.

Conditions:
ALG1-congenital disorder of glycosylation. Also called: CONGENITAL DISORDER OF GLYCOSYLATION, TYPE Ik; CDG Ik; ALG1-CDG. Identifiers: Orphanet 79327, MedGen C2931005, MONDO:0012052, OMIM 608540.

Allele frequency attached by ClinVar (database versions not stated): gnomAD exomes below 0.00001; gnomAD 0.00001.

Submissions (2):

Women's Health and Genetics/Laboratory Corporation of America, LabCorp
Classification: Uncertain significance. Last evaluated: 2025-01-08. Review status: criteria provided, single submitter. Criteria: LabCorp Variant Classification Summary - May 2015. Collection method: clinical testing. Allele origin: germline.
Comment: Variant summary: ALG1 c.1129A>G (p.Met377Val) results in a conservative amino acid change in the encoded protein sequence. Four of five in-silico tools predict a damaging effect of the variant on protein function. The variant allele was found at a frequency of 4e-06 in 250572 control chromosomes (gnomAD). c.1129A>G has been reported in the literature in one homozygous individual affected with Congenital Disorder Of Glycosylation Type 1K (Dupr_2010, Xue_2023). These data indicate that the variant may be associated with disease. To our knowledge, no experimental evidence demonstrating an impact on protein function has been reported. The following publications have been ascertained in the context of this evaluation (PMID: 20679665, 27670784, 37204045). ClinVar contains an entry for this variant (Variation ID: 30536). Based on the evidence outlined above, the variant was classified as VUS-possibly pathogenic.

OMIM
Classification: Pathogenic for CONGENITAL DISORDER OF GLYCOSYLATION, TYPE Ik. Last evaluated: 2010-11-01. Review status: no assertion criteria provided. Collection method: literature only. Allele origin: germline. Not counted in ClinVar's aggregate classification.

Literature cited by the submitters: PubMed 20679665 (cited by Women's Health and Genetics/Laboratory Corporation of America, LabCorp and OMIM); PubMed 37204045 (cited by Women's Health and Genetics/Laboratory Corporation of America, LabCorp); PubMed 27670784 (cited by Women's Health and Genetics/Laboratory Corporation of America, LabCorp).

NM_019109.5(ALG1):c.1129A>G (p.Met377Val)

Gene: ALG1 (ALG1 chitobiosyldiphosphodolichol beta-mannosyltransferase; plus strand). Cytogenetic location: 16p13.3.
Variant type: single nucleotide variant.
Coding change: c.1129A>G on transcript NM_019109.5 (MANE Select); coding-DNA position 1129, A replaced by G.
Protein change: p.Met377Val; replaces methionine 377 with valine.
Molecular consequence: missense variant.
Genome position (GRCh38, 1-based): chr16:5,082,615, A>G. VCF-style: chr16-5082615-A-G. GRCh37 (hg19) VCF-style: chr16-5132616-A-G.
Other names: c.796A>G, p.Met266Val (NM_001330504.2); short protein forms M377V, M266V.
Identifiers: ClinVar variation 30536 (VCV000030536.3), dbSNP rs387906925, ClinGen allele CA277970.